The following is an entry in ClinVar:

NM_004369.4(COL6A3):c.5387C>T (p.Ala1796Val)

Gene: COL6A3 (collagen type VI alpha 3 chain; minus strand). Cytogenetic location: 2q37.3.
Variant type: single nucleotide variant.
Coding change: c.5387C>T on transcript NM_004369.4 (MANE Select); coding-DNA position 5387, C replaced by T.
Protein change: p.Ala1796Val; replaces alanine 1796 with valine.
Molecular consequence: missense variant.
Genome position (GRCh38, 1-based): chr2:237,366,800, G>A on the plus strand (C>T on the coding strand, the complement: COL6A3 is on the minus strand). VCF-style: chr2-237366800-G-A. GRCh37 (hg19) VCF-style: chr2-238275443-G-A.
Other names: c.3566C>T, p.Ala1189Val (NM_057166.5); c.4769C>T, p.Ala1590Val (NM_057167.4); short protein forms A1796V, A1189V, A1590V.
Identifiers: ClinVar variation 596698 (VCV000596698.15), dbSNP rs772890888, ClinGen allele CA2188680.

ClinVar aggregate classification (germline): Conflicting classifications of pathogenicity. Review status: criteria provided, conflicting classifications (1 of 4 stars). 5 submissions from 5 submitters: Uncertain significance (4); Likely benign (1). Last evaluated 2025-10-11.

Conditions:
Bethlem myopathy 1A. Also called: Bethlem Muscular Dystrophy; Bethlem myopathy 1; MYOPATHY, BENIGN CONGENITAL, WITH CONTRACTURES. Identifiers: Orphanet 610, MedGen CN029274, MONDO:0024530, OMIM 158810.
Inborn genetic diseases. Identifiers: MedGen C0950123, MeSH D030342.

Allele frequency attached by ClinVar (database versions not stated): gnomAD exomes 0.00003 and 0.00004; TOPMed 0.00003; ExAC 0.00004; gnomAD 0.00004.
gnomAD v4.1: 53 of 1,614,126 alleles (0.0033%); highest among the groups gnomAD compares: Middle Eastern, 0.016%; no homozygotes.

Submissions (5):

Labcorp Genetics (formerly Invitae), Labcorp
Classification: Likely benign for Bethlem myopathy 1A. Last evaluated: 2025-10-11. Review status: criteria provided, single submitter. Criteria: Invitae Variant Classification Sherloc (09022015). Collection method: clinical testing. Allele origin: germline.

Women's Health and Genetics/Laboratory Corporation of America, LabCorp
Classification: Uncertain significance. Last evaluated: 2025-10-08. Review status: criteria provided, single submitter. Criteria: LabCorp Variant Classification Summary - May 2015. Collection method: clinical testing. Allele origin: germline.
Comment: Variant summary: COL6A3 c.5387C>T (p.Ala1796Val) results in a non-conservative amino acid change in the encoded protein sequence. Algorithms developed to predict the effect of missense changes on protein structure and function are either unavailable or do not agree on the potential impact of this missense change. The variant allele was found at a frequency of 4e-05 in 251492 control chromosomes. This frequency is not significantly higher than estimated for disease-causing variants in COL6A3, allowing no conclusion about variant significance. c.5387C>T has been observed in the heterozygous state in at least one individual with cervical dystonia, without strong evidence of causality (example: Salamon_2023). This report does not provide unequivocal conclusions about association of the variant with COL6A3-related disorders. To our knowledge, no experimental evidence demonstrating an impact on protein function has been reported. The following publication has been ascertained in the context of this evaluation (PMID: 37445923). ClinVar contains an entry for this variant (Variation ID: 596698). Based on the evidence outlined above, the variant was classified as uncertain significance.

GeneDx
Classification: Uncertain significance. Last evaluated: 2024-05-06. Review status: criteria provided, single submitter. Criteria: GeneDx Variant Classification Process June 2021. Collection method: clinical testing. Allele origin: germline. Affected: yes.
Comment: In silico analysis indicates that this missense variant does not alter protein structure/function; Has not been previously published as pathogenic or benign to our knowledge

Ambry Genetics
Classification: Uncertain significance for Inborn genetic diseases. Last evaluated: 2022-03-03. Review status: criteria provided, single submitter. Criteria: Ambry Variant Classification Scheme 2023. Collection method: clinical testing. Allele origin: germline.

Eurofins Ntd Llc (ga)
Classification: Uncertain significance. Last evaluated: 2018-04-03. Review status: criteria provided, single submitter. Criteria: EGL ClinVar v180209 classification definitions. Collection method: clinical testing. Allele origin: germline. Observed: 1 variant allele, 1 heterozygote.

Literature cited by the submitters: PubMed 37445923 (cited by Women's Health and Genetics/Laboratory Corporation of America, LabCorp).